The following is an entry in ClinVar:

NM_020919.4(ALS2):c.4004+1G>A

Gene: ALS2 (alsin Rho guanine nucleotide exchange factor ALS2; minus strand). Cytogenetic location: 2q33.1.
Variant type: single nucleotide variant.
Coding change: c.4004+1G>A on transcript NM_020919.4 (MANE Select); the canonical splice donor site of the intron after coding-DNA position 4004, G replaced by A.
Molecular consequence: splice donor variant.
Genome position (GRCh38, 1-based): chr2:201,715,671, C>T on the plus strand (G>A on the coding strand, the complement: ALS2 is on the minus strand). VCF-style: chr2-201715671-C-T. GRCh37 (hg19) VCF-style: chr2-202580394-C-T.
Other names: c.4001+1G>A (NM_001410975.1).
Identifiers: ClinVar variation 1068277 (VCV001068277.7), dbSNP rs1690335308, ClinGen allele CA350316869.

ClinVar aggregate classification (germline): Likely pathogenic (1 of 4 stars; one submission).

Conditions:
Infantile-onset ascending hereditary spastic paralysis (IAHSP). Also called: Infantile-Onset Ascending Hereditary Spastic Paralysis (IAHSP); Autosomal Recessive Juvenile Amyotrophic Lateral Sclerosis. Identifiers: Orphanet 293168, MedGen C2931441, MONDO:0011797, OMIM 607225. Disease mechanism: loss of function.

Allele frequency attached by ClinVar (database versions not stated): TOPMed below 0.00001; gnomAD 0.00001.
gnomAD v4.1: 1 of 1,614,098 alleles (0.000062%); highest among the groups gnomAD compares: Non-Finnish European, 0.000085%; no homozygotes.

Submission:

Labcorp Genetics (formerly Invitae), Labcorp
Classification: Likely pathogenic for Infantile-onset ascending hereditary spastic paralysis. Last evaluated: 2020-08-11. Review status: criteria provided, single submitter. Criteria: Invitae Variant Classification Sherloc (09022015). Collection method: clinical testing. Allele origin: germline.
Comment: This sequence change affects a donor splice site in intron 25 of the ALS2 gene. It is expected to disrupt RNA splicing and likely results in an absent or disrupted protein product. This variant is not present in population databases (ExAC no frequency). This variant has not been reported in the literature in individuals with ALS2-related conditions. Algorithms developed to predict the effect of sequence changes on RNA splicing suggest that this variant may disrupt the consensus splice site, but this prediction has not been confirmed by published transcriptional studies. Donor and acceptor splice site variants typically lead to a loss of protein function (PMID: 16199547), and loss-of-function variants in ALS2 are known to be pathogenic (PMID: 11586298, 24315819). In summary, the currently available evidence indicates that the variant is pathogenic, but additional data are needed to prove that conclusively. Therefore, this variant has been classified as Likely Pathogenic.

Literature cited by the submitters: PubMed 16199547; PubMed 11586298; PubMed 24315819.